The following is an entry in ClinVar:

ClinVar aggregate classification (germline): Pathogenic. Review status: criteria provided, multiple submitters, no conflicts (2 of 4 stars). 7 submissions from 7 submitters: Pathogenic (4). 3 of the submissions do not count toward it. Last evaluated 2026-01-20.

Conditions:
Metachromatic leukodystrophy (MLD). Also called: METACHROMATIC LEUKOENCEPHALOPATHY; SULFATIDE LIPIDOSIS; ARSA DEFICIENCY; CEREBROSIDE SULFATASE DEFICIENCY; Cerebral sclerosis diffuse metachromatic form; Arylsulfatase A Deficiency. Identifiers: Orphanet 512, MedGen C0023522, MONDO:0018868, OMIM 250100.

gnomAD v4.1: 6 of 1,601,614 alleles (0.00037%); highest among the groups gnomAD compares: South Asian, 0.0067%; no homozygotes.

Submissions (7):

Labcorp Genetics (formerly Invitae), Labcorp
Classification: Pathogenic for Metachromatic leukodystrophy. Last evaluated: 2026-01-20. Review status: criteria provided, single submitter. Criteria: Invitae Variant Classification Sherloc (09022015). Collection method: clinical testing. Allele origin: germline.
Comment: This sequence change affects a donor splice site in intron 5 of the ARSA gene. It is expected to disrupt RNA splicing. Variants that disrupt the donor or acceptor splice site typically lead to a loss of protein function (PMID: 16199547), and loss-of-function variants in ARSA are known to be pathogenic (PMID: 8962139, 10477432). The frequency data for this variant in the population databases is considered unreliable, as metrics indicate poor data quality at this position in the gnomAD database. Disruption of this splice site has been observed in individuals with metachromatic leukodystrophy (PMID: 14517960, 34276053, 34554397). This variant is also known as c.973+1G>A. ClinVar contains an entry for this variant (Variation ID: 188949). Algorithms developed to predict the effect of sequence changes on RNA splicing suggest that this variant may disrupt the consensus splice site. For these reasons, this variant has been classified as Pathogenic.

Natera, Inc.
Classification: Pathogenic for Metachromatic leukodystrophy. Last evaluated: 2025-03-21. Review status: criteria provided, single submitter. Criteria: Natera Variant Classification Schema (03/2026). Collection method: clinical testing. Allele origin: germline.
Comment: The c.979+1G>A variant in ARSA is a canonical splice donor site variant predicted to affect pre-mRNA splicing, which may result in an abnormal transcript and altered protein product. This variant is expected to result in nonsense mediated decay, truncation, or a dysfunctional protein product. This variant is rare in the general population with a frequency below the threshold expected for the associated phenotype(s). This variant has been observed in one or more individuals affected with the associated recessive disease, as either homozygous or compound heterozygous with a second variant (PMID: 34554397). Given the available evidence, this variant is classified as Pathogenic.

GeneDx
Classification: Pathogenic. Last evaluated: 2023-03-13. Review status: criteria provided, single submitter. Criteria: GeneDx Variant Classification Process June 2021. Collection method: clinical testing. Allele origin: germline. Affected: yes.
Comment: Reported as c.973+1 G>A and seen with a second ARSA variant, phase unknown, in a patient with juvenile MLD in the published literature (Eng et al., 2003); Canonical splice site variant predicted to result in a null allele in a gene for which loss-of-function is a known mechanism of disease; Not observed at significant frequency in large population cohorts (gnomAD); This variant is associated with the following publications: (PMID: 34554397, 34276053, 14517960)

Kasturba Medical College, Manipal, Kasturba Medical College, Manipal, Manipal Academy of Higher Education, Manipal, India
Classification: Pathogenic for Metachromatic leukodystrophy. Review status: criteria provided, single submitter. Criteria: ACMG Guidelines, 2015. Collection method: clinical testing. Allele origin: inherited. Inheritance: Autosomal recessive inheritance. Affected: yes.

Counsyl
Classification: Likely pathogenic for Metachromatic leukodystrophy. Last evaluated: 2014-08-28. Review status: no assertion criteria provided. Collection method: literature only. Allele origin: unknown. Inheritance: Autosomal recessive inheritance. Not counted in ClinVar's aggregate classification.

Myelin Disorders Clinic-Children's Medical Center/Medical Genetics Lab-Tarbiat Modares University, Children's Medical Center, Pediatrics Center of Excellence,
Classification: Likely pathogenic for Metachromatic leukodystrophy. Review status: no assertion criteria provided. Collection method: clinical testing. Allele origin: inherited. Inheritance: Autosomal recessive inheritance. Affected: yes. Not counted in ClinVar's aggregate classification.

Next Generation Genetic Polyclinic
Classification: Pathogenic for Metachromatic leukodystrophy. Review status: no assertion criteria provided. Collection method: clinical testing. Allele origin: inherited. Affected: yes. Not counted in ClinVar's aggregate classification.

Literature cited by the submitters: PubMed 16199547 (cited by Labcorp Genetics (formerly Invitae), Labcorp); PubMed 8962139 (cited by Labcorp Genetics (formerly Invitae), Labcorp); PubMed 10477432 (cited by Labcorp Genetics (formerly Invitae), Labcorp); PubMed 14517960 (cited by Labcorp Genetics (formerly Invitae), Labcorp and Counsyl); PubMed 34276053 (cited by Labcorp Genetics (formerly Invitae), Labcorp); PubMed 34554397 (cited by Labcorp Genetics (formerly Invitae), Labcorp and Natera, Inc.); PubMed 19815439 (cited by Counsyl).

NM_000487.6(ARSA):c.979+1G>A

Gene: ARSA (arylsulfatase A; minus strand). Cytogenetic location: 22q13.33.
Variant type: single nucleotide variant.
Coding change: c.979+1G>A on transcript NM_000487.6 (MANE Select); the canonical splice donor site of the intron after coding-DNA position 979, G replaced by A.
Molecular consequence: splice donor variant.
Genome position (GRCh38, 1-based): chr22:50,626,153, C>T on the plus strand (G>A on the coding strand, the complement: ARSA is on the minus strand). VCF-style: chr22-50626153-C-T. GRCh37 (hg19) VCF-style: chr22-51064581-C-T.
Other names: c.721+1G>A (NM_001362782.2, NM_001085428.3); c.979+1G>A (NM_001085427.3, NM_001085426.3, NM_001085425.3).
Identifiers: ClinVar variation 188949 (VCV000188949.17), dbSNP rs754722529, ClinGen allele CA278479.